The following is an entry in ClinVar:

NM_004207.4(SLC16A3):c.1275G>A (p.Glu425=)

Gene: SLC16A3 (solute carrier family 16 member 3; plus strand). Cytogenetic location: 17q25.3.
Variant type: single nucleotide variant.
Coding change: c.1275G>A on transcript NM_004207.4 (MANE Select); coding-DNA position 1275, G replaced by A.
Protein change: p.Glu425=; no amino-acid change (glutamic acid 425 retained).
Molecular consequence: synonymous variant.
Genome position (GRCh38, 1-based): chr17:82,238,853, G>A. VCF-style: chr17-82238853-G-A. GRCh37 (hg19) VCF-style: chr17-80196729-G-A.
Other names: c.1275G>A, p.Glu425= (NM_001042422.3, NM_001042423.3, NM_001206950.2 and 2 more transcripts).
Identifiers: ClinVar variation 2648491 (VCV002648491.24), dbSNP rs1356175644, ClinGen allele CA502353476.

ClinVar aggregate classification (germline): Likely benign (1 of 4 stars; one submission).

Allele frequency attached by ClinVar (database versions not stated): TOPMed 0.00002; gnomAD exomes 0.00003.
gnomAD v4.1: 43 of 1,612,578 alleles (0.0027%); highest among the groups gnomAD compares: Middle Eastern, 0.017%; no homozygotes.

Submission:

CeGaT Center for Human Genetics Tuebingen
Classification: Likely benign. Last evaluated: 2023-02-01. Review status: criteria provided, single submitter. Criteria: CeGaT Center For Human Genetics Tuebingen Variant Classification Criteria Version 2. Collection method: clinical testing. Allele origin: germline. Affected: yes. Observed: 1 variant allele.
Comment: SLC16A3: BP4, BP7